The following is an entry in ClinVar:

NM_004370.6(COL12A1):c.4286A>T (p.Glu1429Val)

Gene: COL12A1 (collagen type XII alpha 1 chain; minus strand). Cytogenetic location: 6q13.
Variant type: single nucleotide variant.
Coding change: c.4286A>T on transcript NM_004370.6 (MANE Select); coding-DNA position 4286, A replaced by T.
Protein change: p.Glu1429Val; replaces glutamic acid 1429 with valine.
Molecular consequence: missense variant.
Genome position (GRCh38, 1-based): chr6:75,148,359, T>A on the plus strand (A>T on the coding strand, the complement: COL12A1 is on the minus strand). VCF-style: chr6-75148359-T-A. GRCh37 (hg19) VCF-style: chr6-75858075-T-A.
Other names: c.794A>T, p.Glu265Val (NM_080645.3); short protein forms E1429V, E265V.
Identifiers: ClinVar variation 864783 (VCV000864783.9), dbSNP rs1056626609, ClinGen allele CA141002421.

ClinVar aggregate classification (germline): Uncertain significance. Review status: criteria provided, multiple submitters, no conflicts (2 of 4 stars). 2 submissions from 2 submitters: Uncertain significance (2). Last evaluated 2025-11-24.

Conditions:
Inborn genetic diseases. Identifiers: MedGen C0950123, MeSH D030342.
Bethlem myopathy 2 (BTHLM2). Identifiers: Orphanet 536516, Orphanet 610, MedGen C4225313, MONDO:0034022, OMIM 616471.
Ullrich congenital muscular dystrophy 2 (UCMD2). Identifiers: Orphanet 75840, MedGen C4225314, MONDO:0014654, OMIM 616470.

Allele frequency attached by ClinVar (database versions not stated): gnomAD exomes below 0.00001 and 0.00002; gnomAD 0.00001; TOPMed 0.00002.
gnomAD v4.1: 32 of 1,612,030 alleles (0.002%); highest among the groups gnomAD compares: African/African-American, 0.0027%; no homozygotes.

Submissions (2):

Ambry Genetics
Classification: Uncertain significance for Inborn genetic diseases. Last evaluated: 2025-11-24. Review status: criteria provided, single submitter. Criteria: Ambry Variant Classification Scheme 2023. Collection method: clinical testing. Allele origin: germline.

Labcorp Genetics (formerly Invitae), Labcorp
Classification: Uncertain significance for Bethlem myopathy 2; Ullrich congenital muscular dystrophy 2. Last evaluated: 2024-07-12. Review status: criteria provided, single submitter. Criteria: Invitae Variant Classification Sherloc (09022015). Collection method: clinical testing. Allele origin: germline.
Comment: This sequence change replaces glutamic acid, which is acidic and polar, with valine, which is neutral and non-polar, at codon 1429 of the COL12A1 protein (p.Glu1429Val). This variant is present in population databases (no rsID available, gnomAD 0.0009%). This variant has not been reported in the literature in individuals affected with COL12A1-related conditions. ClinVar contains an entry for this variant (Variation ID: 864783). An algorithm developed to predict the effect of missense changes on protein structure and function (PolyPhen-2) suggests that this variant is likely to be disruptive. In summary, the available evidence is currently insufficient to determine the role of this variant in disease. Therefore, it has been classified as a Variant of Uncertain Significance.